The following is an entry in ClinVar:

NM_000352.6(ABCC8):c.2588T>C (p.Leu863Pro)

Gene: ABCC8 (ATP binding cassette subfamily C member 8; minus strand). Cytogenetic location: 11p15.1.
Variant type: single nucleotide variant.
Coding change: c.2588T>C on transcript NM_000352.6 (MANE Select); coding-DNA position 2588, T replaced by C.
Protein change: p.Leu863Pro; replaces leucine 863 with proline.
Molecular consequence: missense variant. On other transcripts: non-coding transcript variant (1).
Genome position (GRCh38, 1-based): chr11:17,410,622, A>G on the plus strand (T>C on the coding strand, the complement: ABCC8 is on the minus strand). VCF-style: chr11-17410622-A-G. GRCh37 (hg19) VCF-style: chr11-17432169-A-G.
Other names: c.2591T>C, p.Leu864Pro (NM_001287174.3); c.2654T>C, p.Leu885Pro (NM_001351295.2); c.2588T>C, p.Leu863Pro (NM_001351296.2); c.2585T>C, p.Leu862Pro (NM_001351297.2); short protein forms L862P, L863P, L864P, L885P.
Identifiers: ClinVar variation 3392619 (VCV003392619.1).

ClinVar aggregate classification (germline): Uncertain significance (1 of 4 stars; one submission).

Submission:

GeneDx
Classification: Uncertain significance. Last evaluated: 2024-06-27. Review status: criteria provided, single submitter. Criteria: GeneDx Variant Classification Process June 2021. Collection method: clinical testing. Allele origin: germline. Affected: yes.
Comment: Not observed at significant frequency in large population cohorts (gnomAD); In silico analysis supports that this missense variant has a deleterious effect on protein structure/function; Has not been previously published as pathogenic or benign to our knowledge